The following is an entry in ClinVar:

NM_003982.4(SLC7A7):c.1429+24G>A

Gene: SLC7A7 (solute carrier family 7 member 7; minus strand). Cytogenetic location: 14q11.2.
Variant type: single nucleotide variant.
Coding change: c.1429+24G>A on transcript NM_003982.4 (MANE Select); 24 bases into the intron after coding-DNA position 1429, G replaced by A.
Molecular consequence: intron variant.
Genome position (GRCh38, 1-based): chr14:22,773,909, C>T on the plus strand (G>A on the coding strand, the complement: SLC7A7 is on the minus strand). VCF-style: chr14-22773909-C-T. GRCh37 (hg19) VCF-style: chr14-23243118-C-T.
Other names: p.?; c.1429+24G>A (NM_001126106.4, NM_001126105.3).
Identifiers: ClinVar variation 4683839 (VCV004683839.1).

ClinVar aggregate classification (germline): Likely benign (1 of 4 stars; one submission).

gnomAD v4.1: 96 of 1,613,448 alleles (0.0059%); highest among the groups gnomAD compares: African/African-American, 0.11%; no homozygotes.

Submission:

Mayo Clinic Laboratories, Mayo Clinic
Classification: Likely benign. Last evaluated: 2025-09-04. Review status: criteria provided, single submitter. Criteria: ACMG Guidelines, 2015. Collection method: clinical testing. Allele origin: germline. Observed: 1 variant allele.
Comment: BS1, BP4, BP7